The following is an entry in ClinVar:

ClinVar aggregate classification (germline): Uncertain significance (1 of 4 stars; one submission).

Conditions:
Spermatogenic failure 18. Identifiers: MedGen C4539783, MONDO:0054615, OMIM 617576.
Ciliary dyskinesia, primary, 37 (CILD37). Also called: CILIARY DYSKINESIA, PRIMARY, 37, WITH OR WITHOUT SITUS INVERSUS. Identifiers: MedGen C4539798, MONDO:0033204, OMIM 617577.

gnomAD v4.1: 1 of 1,590,870 alleles (0.000063%); highest among the groups gnomAD compares: Non-Finnish European, 0.000086%; no homozygotes.

Submission:

Labcorp Genetics (formerly Invitae), Labcorp
Classification: Uncertain significance for Ciliary dyskinesia, primary, 37; Spermatogenic failure 18. Last evaluated: 2025-06-09. Review status: criteria provided, single submitter. Criteria: Invitae Variant Classification Sherloc (09022015). Collection method: clinical testing. Allele origin: germline.
Comment: This sequence change replaces threonine, which is neutral and polar, with isoleucine, which is neutral and non-polar, at codon 1870 of the DNAH1 protein (p.Thr1870Ile). This variant is not present in population databases (gnomAD no frequency). This variant has not been reported in the literature in individuals affected with DNAH1-related conditions. An algorithm developed to predict the effect of missense changes on protein structure and function (PolyPhen-2) suggests that this variant is likely to be tolerated. In summary, the available evidence is currently insufficient to determine the role of this variant in disease. Therefore, it has been classified as a Variant of Uncertain Significance.

NM_015512.5(DNAH1):c.5609C>T (p.Thr1870Ile)

Gene: DNAH1 (dynein axonemal heavy chain 1; plus strand). Cytogenetic location: 3p21.1.
Variant type: single nucleotide variant.
Coding change: c.5609C>T on transcript NM_015512.5 (MANE Select); coding-DNA position 5609, C replaced by T.
Protein change: p.Thr1870Ile; replaces threonine 1870 with isoleucine.
Molecular consequence: missense variant.
Genome position (GRCh38, 1-based): chr3:52,366,547, C>T. VCF-style: chr3-52366547-C-T. GRCh37 (hg19) VCF-style: chr3-52400563-C-T.
Other names: short protein forms T1870I.
Identifiers: ClinVar variation 4791601 (VCV004791601.1).